The following is an entry in ClinVar:

ClinVar aggregate classification (germline): Benign/Likely benign. Review status: criteria provided, multiple submitters, no conflicts (2 of 4 stars). 3 submissions from 3 submitters: Benign (1); Likely benign (2). Last evaluated 2024-07-09.

Conditions:
Oligodontia-cancer predisposition syndrome. Also called: TOOTH AGENESIS-COLORECTAL CANCER SYNDROME. Identifiers: Orphanet 300576, MedGen C1837750, MONDO:0012075, OMIM 608615. Disease mechanism: loss of function.

Allele frequency attached by ClinVar (database versions not stated): gnomAD exomes below 0.00001.
gnomAD v4.1: 1 of 1,613,116 alleles (0.000062%); highest among the groups gnomAD compares: Non-Finnish European, 0.000085%; no homozygotes.

Submissions (3):

Myriad Genetics, Inc.
Classification: Benign for Oligodontia-cancer predisposition syndrome. Last evaluated: 2024-07-09. Review status: criteria provided, single submitter. Criteria: Myriad Autosomal Dominant, Autosomal Recessive and X-Linked Classification Criteria (2023). Collection method: clinical testing. Allele origin: unknown.
Comment: This variant is considered benign. This variant is a silent/synonymous amino acid change and it is not expected to impact splicing.

Labcorp Genetics (formerly Invitae), Labcorp
Classification: Likely benign for Oligodontia-cancer predisposition syndrome. Last evaluated: 2022-04-20. Review status: criteria provided, single submitter. Criteria: Invitae Variant Classification Sherloc (09022015). Collection method: clinical testing. Allele origin: germline.

GeneDx
Classification: Likely benign. Last evaluated: 2016-12-06. Review status: criteria provided, single submitter. Criteria: GeneDx Variant Classification (06012015). Collection method: clinical testing. Allele origin: germline. Affected: yes.
Comment: This variant is considered likely benign or benign based on one or more of the following criteria: it is a conservative change, it occurs at a poorly conserved position in the protein, it is predicted to be benign by multiple in silico algorithms, and/or has population frequency not consistent with disease.

NM_004655.4(AXIN2):c.2112A>T (p.Leu704=)

Gene: AXIN2 (axin 2; minus strand). Cytogenetic location: 17q24.1.
Variant type: single nucleotide variant.
Coding change: c.2112A>T on transcript NM_004655.4 (MANE Select); coding-DNA position 2112, A replaced by T.
Protein change: p.Leu704=; no amino-acid change (leucine 704 retained).
Molecular consequence: synonymous variant.
Genome position (GRCh38, 1-based): chr17:65,536,349, T>A on the plus strand (A>T on the coding strand, the complement: AXIN2 is on the minus strand). VCF-style: chr17-65536349-T-A. GRCh37 (hg19) VCF-style: chr17-63532467-T-A.
Other names: c.2112A>T (LRG_296t1); c.1917A>T, p.Leu639= (NM_001363813.1).
Identifiers: ClinVar variation 391659 (VCV000391659.11), dbSNP rs1057524181, ClinGen allele CA16607822.